The following is an entry in ClinVar:

ClinVar aggregate classification (germline): Uncertain significance (1 of 4 stars; one submission).

Conditions:
Muscular dystrophy, limb-girdle, autosomal recessive 23. Identifiers: Orphanet 565837, MedGen C4748327, MONDO:0029136, OMIM 618138.

Submission:

3billion
Classification: Uncertain significance for Muscular dystrophy, limb-girdle, autosomal recessive 23. Last evaluated: 2025-01-24. Review status: criteria provided, single submitter. Criteria: ACMG Guidelines, 2015. Collection method: clinical testing. Allele origin: germline. Affected: yes.
Comment: The variant is not observed in the gnomAD v4.1.0 dataset. Predicted Consequence/Location: Intron variant In silico tools predict the variant to alter splicing and produce an abnormal transcript [SpliceAI: 0.99 (>=0.2, moderate evidence for spliceogenicity)]. Therefore, this variant is classified as VUS according to the recommendation of ACMG/AMP guideline.

NM_000426.4(LAMA2):c.8358-16T>G

Gene: LAMA2 (laminin subunit alpha 2; plus strand). Cytogenetic location: 6q22.33.
Variant type: single nucleotide variant.
Coding change: c.8358-16T>G on transcript NM_000426.4 (MANE Select); 16 bases into the intron before coding-DNA position 8358, T replaced by G.
Molecular consequence: intron variant.
Genome position (GRCh38, 1-based): chr6:129,503,075, T>G. VCF-style: chr6-129503075-T-G. GRCh37 (hg19) VCF-style: chr6-129824220-T-G.
Other names: c.8346-16T>G (NM_001079823.2).
Identifiers: ClinVar variation 4291738 (VCV004291738.1).